The following is an entry in ClinVar:

ClinVar aggregate classification (germline): Uncertain significance (1 of 4 stars; one submission).

Submission:

Labcorp Genetics (formerly Invitae), Labcorp
Classification: Uncertain significance. Last evaluated: 2024-10-08. Review status: criteria provided, single submitter. Criteria: Invitae Variant Classification Sherloc (09022015). Collection method: clinical testing. Allele origin: germline.
Comment: This sequence change replaces aspartic acid, which is acidic and polar, with histidine, which is basic and polar, at codon 74 of the MGP protein (p.Asp74His). This variant is not present in population databases (gnomAD no frequency). This variant has not been reported in the literature in individuals affected with MGP-related conditions. An algorithm developed to predict the effect of missense changes on protein structure and function (PolyPhen-2) suggests that this variant is likely to be disruptive. In summary, the available evidence is currently insufficient to determine the role of this variant in disease. Therefore, it has been classified as a Variant of Uncertain Significance.

NM_000900.5(MGP):c.220G>C (p.Asp74His)

Gene: MGP (matrix Gla protein; minus strand). Cytogenetic location: 12p12.3.
Variant type: single nucleotide variant.
Coding change: c.220G>C on transcript NM_000900.5 (MANE Select); coding-DNA position 220, G replaced by C.
Protein change: p.Asp74His; replaces aspartic acid 74 with histidine.
Molecular consequence: missense variant.
Genome position (GRCh38, 1-based): chr12:14,882,231, C>G on the plus strand (G>C on the coding strand, the complement: MGP is on the minus strand). VCF-style: chr12-14882231-C-G. GRCh37 (hg19) VCF-style: chr12-15035165-C-G.
Other names: c.295G>C, p.Asp99His (NM_001190839.3); short protein forms D99H, D74H.
Identifiers: ClinVar variation 3722465 (VCV003722465.2).